The following is an entry in ClinVar:

NM_000202.8(IDS):c.641C>G (p.Thr214Arg)

Genes: IDS (iduronate 2-sulfatase; minus strand), LOC106050102 (IDS recombination region; plus strand). Cytogenetic location: Xq28.
Variant type: single nucleotide variant.
Coding change: c.641C>G on transcript NM_000202.8 (MANE Select); coding-DNA position 641, C replaced by G.
Protein change: p.Thr214Arg; replaces threonine 214 with arginine.
Molecular consequence: missense variant. On other transcripts: non-coding transcript variant (1).
Genome position (GRCh38, 1-based): chrX:149,498,174, G>C on the plus strand (C>G on the coding strand, the complement: IDS is on the minus strand). VCF-style: chrX-149498174-G-C. GRCh37 (hg19) VCF-style: chrX-148579705-G-C.
Other names: NC_000023.10:g.148579705G>C; c.371C>G, p.Thr124Arg (NM_001166550.4); c.641C>G, p.Thr214Arg (NM_006123.5); short protein forms T124R, T214R.
Identifiers: ClinVar variation 3255786 (VCV003255786.3).

ClinVar aggregate classification (germline): Likely pathogenic (1 of 4 stars; one submission).

Conditions:
Mucopolysaccharidosis, MPS-II (MPS2). Also called: Hunter Syndrome; IDURONATE 2-SULFATASE DEFICIENCY; Mucopolysaccharidosis Type II; Mucopolysaccharidosis type 2; Attenuated MPS (subtype; formerly known as mild MPS II); Severe MPS II. Identifiers: Orphanet 580, Orphanet 79388, MedGen C0026705, MONDO:0010674, OMIM 309900.

Submissions (2):

Laboratory of Diagnosis and Therapy of Lysosomal Disorders, University of Padova
Classification: Likely pathogenic for Mucopolysaccharidosis, MPS-II. Last evaluated: 2024-06-07. Review status: criteria provided, single submitter. Criteria: ACMG Guidelines, 2015. Collection method: literature only. Allele origin: germline. Affected: yes. Observed: 1 variant allele.
Comment: In vitro or in vivo functional studies supportive of a damaging effect (PS3_Moderate), Absent from controls (or at low frequency) in gnomAD database (PM2_Moderate), Missense variant in a gene with a low rate of benign missense variation (PP2_Supporting), Patient’s phenotype or family history highly specific for the disease (PP4_Strong), Multiple lines of computational evidence suggest no impact on gene or gene product (BP4_Supporting)

Classification method: ACMG Guidelines [PMID:25741868] with modifications

Dr. Peter K. Rogan Lab, Western University
No classification provided (evidence only). Condition: Ovarian serous cystadenocarcinoma. Review status: no classification provided. Collection method: in vitro. Allele origin: not applicable. Functional consequence: retained intron. Not counted in ClinVar's aggregate classification.

Literature cited by the submitters: PubMed 8940265 (cited by Laboratory of Diagnosis and Therapy of Lysosomal Disorders, University of Padova).